The following is an entry in ClinVar:

NM_004370.6(COL12A1):c.7133T>C (p.Leu2378Pro)

Genes: COL12A1 (collagen type XII alpha 1 chain; minus strand), LOC126859712 (MED14-independent group 3 enhancer GRCh37_chr6:75828643-75829842; plus strand). Cytogenetic location: 6q13.
Variant type: single nucleotide variant.
Coding change: c.7133T>C on transcript NM_004370.6 (MANE Select); coding-DNA position 7133, T replaced by C.
Protein change: p.Leu2378Pro; replaces leucine 2378 with proline.
Molecular consequence: missense variant.
Genome position (GRCh38, 1-based): chr6:75,119,427, A>G on the plus strand (T>C on the coding strand, the complement: COL12A1 is on the minus strand). VCF-style: chr6-75119427-A-G. GRCh37 (hg19) VCF-style: chr6-75829143-A-G.
Other names: c.7133T>C, p.Leu2378Pro (NM_001424113.1); c.7112T>C, p.Leu2371Pro (NM_001424114.1); c.6860T>C, p.Leu2287Pro (NM_001424115.1); c.3641T>C, p.Leu1214Pro (NM_001424116.1, NM_080645.3); short protein forms L1214P, L2287P, L2371P, L2378P.
Identifiers: ClinVar variation 3373668 (VCV003373668.1).
Genomic context (GRCh38, chr6:75,119,427, plus strand): 5'-CCTCTGTACCTAATATTCTGGAGGGCCCCAAGGGCTAGGGCCTTGTCATTGTACGTGTTC[A>G]GCTTGAACTCAGACTTGACCTCATCGCTGTATTGCACAAATGAAACCTGAAGGAAAATGT-3'
Protein context (NP_004361.3, residues 2368-2388): YSDEVKSEFK[Leu2378Pro]NTYNDKALAL

ClinVar aggregate classification (germline): Uncertain significance (1 of 4 stars; one submission).

gnomAD v4.1: 21 of 1,613,934 alleles (0.0013%); highest among the groups gnomAD compares: Non-Finnish European, 0.0017%; no homozygotes.

Submission:

GeneDx
Classification: Uncertain significance. Last evaluated: 2024-03-03. Review status: criteria provided, single submitter. Criteria: GeneDx Variant Classification Process June 2021. Collection method: clinical testing. Allele origin: germline. Affected: yes.
Comment: Has not been previously published as pathogenic or benign to our knowledge; Not observed at significant frequency in large population cohorts (gnomAD); In silico analysis supports that this missense variant has a deleterious effect on protein structure/function